The following is an entry in ClinVar:

NM_000477.7(ALB):c.313C>T (p.Arg105Cys)

Gene: ALB (albumin; plus strand). Cytogenetic location: 4q13.3.
Variant type: single nucleotide variant.
Coding change: c.313C>T on transcript NM_000477.7 (MANE Select); coding-DNA position 313, C replaced by T.
Protein change: p.Arg105Cys; replaces arginine 105 with cysteine.
Molecular consequence: missense variant.
Genome position (GRCh38, 1-based): chr4:73,408,636, C>T. VCF-style: chr4-73408636-C-T. GRCh37 (hg19) VCF-style: chr4-74274353-C-T.
Other names: short protein forms R105C.
Identifiers: ClinVar variation 2909396 (VCV002909396.3), dbSNP rs138715514, ClinGen allele CA99700464.

ClinVar aggregate classification (germline): Uncertain significance (1 of 4 stars; one submission).

Allele frequency attached by ClinVar (database versions not stated): gnomAD exomes below 0.00001; gnomAD 0.00001; TOPMed 0.00002; ESP Exome Variant Server 0.00008.
gnomAD v4.1: 8 of 1,613,900 alleles (0.0005%); highest among the groups gnomAD compares: Middle Eastern, 0.016%; no homozygotes.

Submission:

Labcorp Genetics (formerly Invitae), Labcorp
Classification: Uncertain significance. Last evaluated: 2023-08-29. Review status: criteria provided, single submitter. Criteria: Invitae Variant Classification Sherloc (09022015). Collection method: clinical testing. Allele origin: germline.
Comment: This variant has not been reported in the literature in individuals affected with ALB-related conditions. This variant is present in population databases (rs138715514, gnomAD 0.01%). This sequence change replaces arginine, which is basic and polar, with cysteine, which is neutral and slightly polar, at codon 105 of the ALB protein (p.Arg105Cys). Advanced modeling of protein sequence and biophysical properties (such as structural, functional, and spatial information, amino acid conservation, physicochemical variation, residue mobility, and thermodynamic stability) performed at Invitae indicates that this missense variant is expected to disrupt ALB protein function. In summary, the available evidence is currently insufficient to determine the role of this variant in disease. Therefore, it has been classified as a Variant of Uncertain Significance.